The following is an entry in ClinVar:

ClinVar aggregate classification (germline): Benign/Likely benign. Review status: criteria provided, multiple submitters, no conflicts (2 of 4 stars). 4 submissions from 4 submitters: Benign (1); Likely benign (3). Last evaluated 2025-04-25.

Conditions:
Hereditary cancer-predisposing syndrome. Also called: Tumor predisposition; Neoplastic Syndromes, Hereditary; Hereditary Cancer Syndrome; Hereditary neoplastic syndrome. Identifiers: Orphanet 140162, MedGen C0027672, MeSH D009386, MONDO:0015356.
Tuberous sclerosis 1 (TSC1). Identifiers: Orphanet 805, MedGen C1854465, MONDO:0008612, OMIM 191100.

Allele frequency attached by ClinVar (database versions not stated): gnomAD exomes below 0.00001; ExAC 0.00001.
gnomAD v4.1: 1 of 1,614,170 alleles (0.000062%); highest among the groups gnomAD compares: Admixed American, 0.0017%; no homozygotes.

Submissions (4):

Myriad Genetics, Inc.
Classification: Benign for Tuberous sclerosis 1. Last evaluated: 2025-04-25. Review status: criteria provided, single submitter. Criteria: Myriad Autosomal Dominant, Autosomal Recessive and X-Linked Classification Criteria (2023). Collection method: clinical testing. Allele origin: unknown.
Comment: This variant is considered benign. This variant is a silent/synonymous amino acid change and it is not expected to impact splicing.

Women's Health and Genetics/Laboratory Corporation of America, LabCorp
Classification: Likely benign. Last evaluated: 2025-02-20. Review status: criteria provided, single submitter. Criteria: LabCorp Variant Classification Summary - May 2015. Collection method: clinical testing. Allele origin: germline.

Labcorp Genetics (formerly Invitae), Labcorp
Classification: Likely benign for Tuberous sclerosis 1. Last evaluated: 2024-08-15. Review status: criteria provided, single submitter. Criteria: Invitae Variant Classification Sherloc (09022015). Collection method: clinical testing. Allele origin: germline.

Ambry Genetics
Classification: Likely benign for Hereditary cancer-predisposing syndrome. Last evaluated: 2017-02-02. Review status: criteria provided, single submitter. Criteria: Ambry Variant Classification Scheme 2023. Collection method: clinical testing. Allele origin: germline.

NM_000368.5(TSC1):c.2472T>G (p.Thr824=)

Gene: TSC1 (TSC complex subunit 1; minus strand). Cytogenetic location: 9q34.13.
Variant type: single nucleotide variant.
Coding change: c.2472T>G on transcript NM_000368.5 (MANE Select); coding-DNA position 2472, T replaced by G.
Protein change: p.Thr824=; no amino-acid change (threonine 824 retained).
Molecular consequence: synonymous variant.
Genome position (GRCh38, 1-based): chr9:132,901,619, A>C on the plus strand (T>G on the coding strand, the complement: TSC1 is on the minus strand). VCF-style: chr9-132901619-A-C. GRCh37 (hg19) VCF-style: chr9-135777006-A-C.
Other names: c.2469T>G, p.Thr823= (NM_001162426.2); c.2319T>G, p.Thr773= (NM_001162427.2); c.2109T>G, p.Thr703= (NM_001362177.2).
Identifiers: ClinVar variation 416664 (VCV000416664.16), dbSNP rs762811821, ClinGen allele CA032748.